The following is an entry in ClinVar:

ClinVar aggregate classification (germline): Conflicting classifications of pathogenicity. Review status: criteria provided, conflicting classifications (1 of 4 stars). 3 submissions from 3 submitters: Uncertain significance (2); Likely benign (1). Last evaluated 2025-04-29.

Conditions:
Hereditary cancer-predisposing syndrome. Also called: Neoplastic Syndromes, Hereditary; Tumor predisposition; Hereditary Cancer Syndrome; Hereditary neoplastic syndrome. Identifiers: Orphanet 140162, MedGen C0027672, MeSH D009386, MONDO:0015356.
Gastrointestinal stromal tumor. Also called: Gastrointestinal stromal tumor, somatic; Gastrointestinal stroma tumor. Identifiers: Orphanet 44890, MedGen C0238198, MeSH D046152, MONDO:0011719, OMIM 606764, HP:0100723.
Polyps, multiple and recurrent inflammatory fibroid, gastrointestinal. Identifiers: MedGen C5193005, MONDO:0008285, OMIM 175510.

Allele frequency attached by ClinVar (database versions not stated): gnomAD exomes below 0.00001; gnomAD 0.00001; TOPMed 0.00001.
gnomAD v4.1: 3 of 1,613,982 alleles (0.00019%); highest among the groups gnomAD compares: African/African-American, 0.0027%; no homozygotes.

Submissions (3):

Labcorp Genetics (formerly Invitae), Labcorp
Classification: Uncertain significance for Gastrointestinal stromal tumor. Last evaluated: 2025-04-29. Review status: criteria provided, single submitter. Criteria: Invitae Variant Classification Sherloc (09022015). Collection method: clinical testing. Allele origin: germline.
Comment: This sequence change replaces lysine, which is basic and polar, with arginine, which is basic and polar, at codon 194 of the PDGFRA protein (p.Lys194Arg). This variant is present in population databases (no rsID available, gnomAD 0.01%). This variant has not been reported in the literature in individuals affected with PDGFRA-related conditions. ClinVar contains an entry for this variant (Variation ID: 660967). Invitae Evidence Modeling of protein sequence and biophysical properties (such as structural, functional, and spatial information, amino acid conservation, physicochemical variation, residue mobility, and thermodynamic stability) indicates that this missense variant is not expected to disrupt PDGFRA protein function with a negative predictive value of 80%. In summary, the available evidence is currently insufficient to determine the role of this variant in disease. Therefore, it has been classified as a Variant of Uncertain Significance.

Ambry Genetics
Classification: Likely benign for Hereditary cancer-predisposing syndrome. Last evaluated: 2024-04-26. Review status: criteria provided, single submitter. Criteria: Ambry Variant Classification Scheme 2023. Collection method: clinical testing. Allele origin: germline.

Baylor Genetics
Classification: Uncertain significance for Polyps, multiple and recurrent inflammatory fibroid, gastrointestinal. Last evaluated: 2024-03-07. Review status: criteria provided, single submitter. Criteria: ACMG Guidelines, 2015. Collection method: clinical testing. Allele origin: unknown.

NM_006206.6(PDGFRA):c.581A>G (p.Lys194Arg)

Gene: PDGFRA (platelet derived growth factor receptor alpha; plus strand). Cytogenetic location: 4q12.
Variant type: single nucleotide variant.
Coding change: c.581A>G on transcript NM_006206.6 (MANE Select); coding-DNA position 581, A replaced by G.
Protein change: p.Lys194Arg; replaces lysine 194 with arginine.
Molecular consequence: missense variant.
Genome position (GRCh38, 1-based): chr4:54,263,880, A>G. VCF-style: chr4-54263880-A-G. GRCh37 (hg19) VCF-style: chr4-55130047-A-G.
Other names: c.581A>G, p.Lys194Arg (NM_001347827.2, NM_001347829.2); c.656A>G, p.Lys219Arg (NM_001347828.2); c.620A>G, p.Lys207Arg (NM_001347830.2); short protein forms K219R, K207R, K194R.
Identifiers: ClinVar variation 660967 (VCV000660967.12), dbSNP rs1323449085, ClinGen allele CA356890129.